The following is an entry in ClinVar:

ClinVar aggregate classification (germline): Conflicting classifications of pathogenicity. Review status: criteria provided, conflicting classifications (1 of 4 stars). 3 submissions from 3 submitters: Uncertain significance (2); Likely benign (1). Last evaluated 2025-10-01.

Conditions:
Inborn genetic diseases. Identifiers: MedGen C0950123, MeSH D030342.
Palmoplantar keratoderma-esophageal carcinoma syndrome (TOC). Also called: Tylosis with Esophageal Cancer; PALMOPLANTAR KERATODERMA WITH ESOPHAGEAL CANCER; KERATOSIS PALMARIS ET PLANTARIS WITH ESOPHAGEAL CANCER. Identifiers: Orphanet 2198, MedGen C1835664, MONDO:0007856, OMIM 148500.

Allele frequency attached by ClinVar (database versions not stated): gnomAD exomes 0.00014 and 0.00021; 1000 Genomes Project 30x 0.00016; gnomAD 0.00016 and 0.00018; 1000 Genomes Project 0.00020; TOPMed 0.00026; ExAC 0.00030; ESP Exome Variant Server 0.00054.
gnomAD v4.1: 223 of 1,605,044 alleles (0.014%); highest among the groups gnomAD compares: African/African-American, 0.035%; no homozygotes.

Submissions (3):

Labcorp Genetics (formerly Invitae), Labcorp
Classification: Uncertain significance. Last evaluated: 2025-10-01. Review status: criteria provided, single submitter. Criteria: Invitae Variant Classification Sherloc (09022015). Collection method: clinical testing. Allele origin: germline.
Comment: This sequence change replaces valine, which is neutral and non-polar, with methionine, which is neutral and non-polar, at codon 11 of the RHBDF2 protein (p.Val11Met). This variant is present in population databases (rs142019309, gnomAD 0.04%), and has an allele count higher than expected for a pathogenic variant. This variant has not been reported in the literature in individuals affected with RHBDF2-related conditions. ClinVar contains an entry for this variant (Variation ID: 325467). An algorithm developed to predict the effect of missense changes on protein structure and function (PolyPhen-2) suggests that this variant is likely to be tolerated. In summary, the available evidence is currently insufficient to determine the role of this variant in disease. Therefore, it has been classified as a Variant of Uncertain Significance.

Ambry Genetics
Classification: Uncertain significance for Inborn genetic diseases. Last evaluated: 2023-05-17. Review status: criteria provided, single submitter. Criteria: Ambry Variant Classification Scheme 2023. Collection method: clinical testing. Allele origin: germline.

Illumina Laboratory Services, Illumina
Classification: Likely benign for Palmoplantar keratoderma-esophageal carcinoma syndrome. Last evaluated: 2018-01-12. Review status: criteria provided, single submitter. Criteria: ICSL Variant Classification Criteria 13 December 2019. Collection method: clinical testing. Allele origin: germline.
Comment: This variant was observed in the ICSL laboratory as part of a predisposition screen in an ostensibly healthy population. It had not been previously curated by ICSL or reported in the Human Gene Mutation Database (HGMD: prior to June 1st, 2018), and was therefore a candidate for classification through an automated scoring system. Utilizing variant allele frequency, disease prevalence and penetrance estimates, and inheritance mode, an automated score was calculated to assess if this variant is too frequent to cause the disease. Based on the score and internal cut-off values, a variant classified as likely benign is not then subjected to further curation. The score for this variant resulted in a classification of likely benign for this disease.

NM_001005498.4(RHBDF2):c.31G>A (p.Val11Met)

Gene: RHBDF2 (rhomboid 5 homolog 2; minus strand). Cytogenetic location: 17q25.1.
Variant type: single nucleotide variant.
Coding change: c.31G>A on transcript NM_001005498.4 (MANE Select); coding-DNA position 31, G replaced by A.
Protein change: p.Val11Met; replaces valine 11 with methionine.
Molecular consequence: missense variant. On other transcripts: non-coding transcript variant (3).
Genome position (GRCh38, 1-based): chr17:76,481,494, C>T on the plus strand (G>A on the coding strand, the complement: RHBDF2 is on the minus strand). VCF-style: chr17-76481494-C-T. GRCh37 (hg19) VCF-style: chr17-74477576-C-T.
Other names: c.31G>A, p.Val11Met (NM_001376228.1, NM_001376229.1, NM_001376230.1 and 1 more transcripts); short protein forms V11M.
Identifiers: ClinVar variation 325467 (VCV000325467.9), dbSNP rs142019309, ClinGen allele CA8787519.